The following is an entry in ClinVar:

ClinVar aggregate classification (germline): Uncertain significance (1 of 4 stars; one submission).

Allele frequency attached by ClinVar (database versions not stated): gnomAD exomes below 0.00001.
gnomAD v4.1: 2 of 1,587,604 alleles (0.00013%); highest among the groups gnomAD compares: Non-Finnish European, 0.00017%; no homozygotes.

Submission:

GeneDx
Classification: Uncertain significance. Last evaluated: 2022-02-23. Review status: criteria provided, single submitter. Criteria: GeneDx Variant Classification Process June 2021. Collection method: clinical testing. Allele origin: germline. Affected: yes.
Comment: Not observed at significant frequency in large population cohorts (gnomAD); In silico analysis supports that this missense variant has a deleterious effect on protein structure/function; Has not been previously published as pathogenic or benign to our knowledge

NM_018896.5(CACNA1G):c.1673A>G (p.His558Arg)

Gene: CACNA1G (calcium voltage-gated channel subunit alpha1 G; plus strand). Cytogenetic location: 17q21.33.
Variant type: single nucleotide variant.
Coding change: c.1673A>G on transcript NM_018896.5 (MANE Select); coding-DNA position 1673, A replaced by G.
Protein change: p.His558Arg; replaces histidine 558 with arginine.
Molecular consequence: missense variant. On other transcripts: non-coding transcript variant (5).
Genome position (GRCh38, 1-based): chr17:50,576,075, A>G. VCF-style: chr17-50576075-A-G. GRCh37 (hg19) VCF-style: chr17-48653436-A-G.
Other names: c.1673A>G, p.His558Arg (NM_001256324.2, NM_001256325.2, NM_001256326.2 and 24 more transcripts); short protein forms H558R.
Identifiers: ClinVar variation 1703382 (VCV001703382.2), dbSNP rs2544870951, ClinGen allele CA400238428.